The following is an entry in ClinVar:

ClinVar aggregate classification (germline): Pathogenic (1 of 4 stars; one submission).

Conditions:
Hereditary breast ovarian cancer syndrome. Also called: Hereditary breast and ovarian cancer syndrome (HBOC); Hereditary breast and ovarian cancer syndrome; Breast and ovarian cancer; Hereditary breast and ovarian cancer; Hereditary breast and/or ovarian cancer syndrome; BRCA1- and BRCA2-Associated Hereditary Breast and Ovarian Cancer. Identifiers: Orphanet 145, MedGen C0677776, MeSH D061325, MONDO:0003582. Disease mechanism: loss of function.

Submission:

Labcorp Genetics (formerly Invitae), Labcorp
Classification: Pathogenic for Hereditary breast ovarian cancer syndrome. Last evaluated: 2018-12-28. Review status: criteria provided, single submitter. Criteria: Invitae Variant Classification Sherloc (09022015). Collection method: clinical testing. Allele origin: germline.
Comment: This sequence change creates a premature translational stop signal (p.Ala675Valfs*27) in the BRCA1 gene. It is expected to result in an absent or disrupted protein product. This variant is not present in population databases (ExAC no frequency). This variant has not been reported in the literature in individuals with BRCA1-related conditions. Loss-of-function variants in BRCA1 are known to be pathogenic (PMID: 20104584). For these reasons, this variant has been classified as Pathogenic.

Literature cited by the submitters: PubMed 20104584.

NM_007294.4(BRCA1):c.2022_2023dup (p.Ala675fs)

Gene: BRCA1 (BRCA1 DNA repair associated; minus strand). Cytogenetic location: 17q21.31.
Variant type: Duplication.
Coding change: c.2022_2023dup on transcript NM_007294.4 (MANE Select); coding-DNA positions 2022 to 2023, 2 bases duplicated (TG; older notation c.2022_2023dupTG).
Protein change: p.Ala675fs; shifts the reading frame from alanine 675.
Molecular consequence: frameshift variant. On other transcripts: intron variant (137).
Genome position (GRCh38, 1-based): chr17:43,093,508-43,093,509, CA duplicated on the plus strand (TG on the coding strand, the reverse complement: BRCA1 is on the minus strand). VCF-style (leftmost placement, unchanged base first): chr17-43093507-G-GCA. GRCh37 (hg19) VCF-style: chr17-41245524-G-GCA.
Other names: c.2022_2023dup, p.Ala675fs (NM_001407622.1, NM_001407623.1, NM_001407624.1 and 30 more transcripts); c.2019_2020dup, p.Ala674fs (NM_001407627.1, NM_001407628.1, NM_001407629.1 and 22 more transcripts); c.2013_2014dup, p.Ala672fs (NM_001407646.1, NM_001407647.1); c.1899_1900dup, p.Ala634fs (NM_001407648.1, NM_001407664.1, NM_001407665.1 and 19 more transcripts); c.1896_1897dup, p.Ala633fs (NM_001407649.1, NM_001407670.1, NM_001407671.1 and 11 more transcripts); c.1809_1810dup, p.Ala604fs (NM_001407571.1, NM_001407853.1, NM_001407894.1 and 9 more transcripts); c.1944_1945dup, p.Ala649fs (NM_001407653.1, NM_001407654.1, NM_001407655.1 and 4 more transcripts); c.1941_1942dup, p.Ala648fs (NM_001407659.1, NM_001407660.1, NM_001407661.1 and 1 more transcripts); and 40 more; short protein forms A628fs, A675fs, A379fs, A564fs, A633fs, A634fs, A649fs, A548fs.
Identifiers: ClinVar variation 663305 (VCV000663305.8), dbSNP rs1597872648, ClinGen allele CA915950115.
Genomic context (GRCh38, chr17:43,093,507, plus strand): 5'-TCGCTGTCATGTCTTTTACTTGTCTGTTCATTTGGCTTGTTACTCTTCTTGGCTCCAGTT[G>GCA]CAGGTTCTTTACCTTCCATGAGTTGTAGGTTTCTGCTGTGCCTGACTGGCATTTGGTTGT-3'